The following is an entry in ClinVar:

ClinVar aggregate classification (germline): Pathogenic. Review status: reviewed by expert panel (3 of 4 stars). 3 submissions from 3 submitters: Pathogenic (1). 2 of the submissions do not count toward it. Last evaluated 2016-09-08.

Conditions:
Hereditary breast ovarian cancer syndrome. Also called: Hereditary breast and ovarian cancer; Hereditary breast and ovarian cancer syndrome (HBOC); Hereditary breast and/or ovarian cancer syndrome; Breast and ovarian cancer; Hereditary breast and ovarian cancer syndrome; BRCA1- and BRCA2-Associated Hereditary Breast and Ovarian Cancer. Identifiers: Orphanet 145, MedGen C0677776, MeSH D061325, MONDO:0003582. Disease mechanism: loss of function.
Breast-ovarian cancer, familial, susceptibility to, 2 (BROVCA2). Also called: BRCA2 Hereditary Breast and Ovarian Cancer. Identifiers: Orphanet 145, MedGen C2675520, MONDO:0012933, OMIM 612555. Disease mechanism: loss of function.

Submissions (3):

Evidence-based Network for the Interpretation of Germline Mutant Alleles (ENIGMA)
Classification: Pathogenic for Breast-ovarian cancer, familial, susceptibility to, 2. Last evaluated: 2016-09-08. Review status: reviewed by expert panel. Criteria: ENIGMA BRCA1/2 Classification Criteria (2015). Collection method: curation. Allele origin: germline.
Comment: Variant allele predicted to encode a truncated non-functional protein.

Labcorp Genetics (formerly Invitae), Labcorp
Classification: Pathogenic for Hereditary breast ovarian cancer syndrome. Last evaluated: 2020-02-11. Review status: criteria provided, single submitter. Criteria: Invitae Variant Classification Sherloc (09022015). Collection method: clinical testing. Allele origin: germline. Not counted in ClinVar's aggregate classification.
Comment: This sequence change creates a premature translational stop signal (p.Asn1833Ilefs*7) in the BRCA2 gene. It is expected to result in an absent or disrupted protein product. This variant is not present in population databases (ExAC no frequency). This variant has been reported in individuals in the Leiden Open-source Variation Database (PMID: 21520333). ClinVar contains an entry for this variant (Variation ID: 37970). Loss-of-function variants in BRCA2 are known to be pathogenic (PMID: 20104584). For these reasons, this variant has been classified as Pathogenic.

Sharing Clinical Reports Project (SCRP)
Classification: Pathogenic for Breast-ovarian cancer, familial 2. Last evaluated: 2009-07-21. Review status: no assertion criteria provided. Collection method: clinical testing. Allele origin: germline. Not counted in ClinVar's aggregate classification.

Literature cited by the submitters: PubMed 21520333 (cited by Labcorp Genetics (formerly Invitae), Labcorp); PubMed 20104584 (cited by Labcorp Genetics (formerly Invitae), Labcorp).

NM_000059.4(BRCA2):c.5498del (p.Asn1833fs)

Gene: BRCA2 (BRCA2 DNA repair associated; plus strand). Cytogenetic location: 13q13.1.
Variant type: Deletion.
Coding change: c.5498del on transcript NM_000059.4 (MANE Select); coding-DNA position 5498, one base deleted (A; older notation c.5498delA).
Protein change: p.Asn1833fs; shifts the reading frame from asparagine 1833.
Molecular consequence: frameshift variant.
Genome position (GRCh38, 1-based): chr13:32,339,853, A deleted; the last of 2 consecutive A bases (chr13:32,339,852-32,339,853); deleting either gives the same sequence. VCF-style (leftmost placement, unchanged base first): chr13-32339851-TA-T. GRCh37 (hg19) VCF-style: chr13-32913988-TA-T.
Other names: 5726delA; c.5498delA (NM_000059.3); short protein forms N1833fs.
Identifiers: ClinVar variation 37970 (VCV000037970.13), dbSNP rs397507353, ClinGen allele CA022455.